The following is an entry in ClinVar:

NM_001148.6(ANK2):c.1735G>A (p.Ala579Thr)

Gene: ANK2 (ankyrin 2; plus strand). Cytogenetic location: 4q26.
Variant type: single nucleotide variant.
Coding change: c.1735G>A on transcript NM_001148.6 (MANE Select); coding-DNA position 1735, G replaced by A.
Protein change: p.Ala579Thr; replaces alanine 579 with threonine.
Molecular consequence: missense variant.
Genome position (GRCh38, 1-based): chr4:113,277,888, G>A. VCF-style: chr4-113277888-G-A. GRCh37 (hg19) VCF-style: chr4-114199044-G-A.
Other names: c.1672G>A, p.Ala558Thr (NM_001127493.3, NM_001354239.2, NM_001354243.2 and 14 more transcripts); c.1735G>A, p.Ala579Thr (NM_001354225.2, NM_001354228.2, NM_001354232.2 and 8 more transcripts); c.1780G>A, p.Ala594Thr (NM_001354230.2, NM_001354231.2, NM_001354237.2 and 5 more transcripts); c.1648G>A, p.Ala550Thr (NM_001354249.2, NM_001354260.2, NM_001354264.2 and 13 more transcripts); c.1693G>A, p.Ala565Thr (NM_001354261.2, NM_001386147.1, NM_001386160.1); c.1525G>A, p.Ala509Thr (NM_001354269.3); c.1537G>A, p.Ala513Thr (NM_001354273.2); c.1450G>A, p.Ala484Thr (NM_001354277.2, NM_001386157.1, NM_001386158.1); and 4 more; short protein forms A596T, A484T, A513T, A565T, A579T, A594T, A550T, A567T.
Identifiers: ClinVar variation 2585809 (VCV002585809.3), dbSNP rs780664859, ClinGen allele CA3050360.

ClinVar aggregate classification (germline): Uncertain significance. Review status: criteria provided, multiple submitters, no conflicts (2 of 4 stars). 2 submissions from 2 submitters: Uncertain significance (2). Last evaluated 2025-10-23.

Conditions:
Cardiovascular phenotype. Identifiers: MedGen CN230736.
Long QT syndrome (LQTS). Identifiers: MedGen C0023976, MeSH D008133, MONDO:0002442. Disease mechanism: loss of function. Inheritance: Various modes of inheritance.

Allele frequency attached by ClinVar (database versions not stated): ExAC 0.00001; gnomAD 0.00001; TOPMed 0.00001.
gnomAD v4.1: 72 of 1,613,956 alleles (0.0045%); highest among the groups gnomAD compares: Non-Finnish European, 0.006%; no homozygotes.

Submissions (2):

Labcorp Genetics (formerly Invitae), Labcorp
Classification: Uncertain significance for Long QT syndrome. Last evaluated: 2025-10-23. Review status: criteria provided, single submitter. Criteria: Invitae Variant Classification Sherloc (09022015). Collection method: clinical testing. Allele origin: germline.
Comment: This sequence change replaces alanine, which is neutral and non-polar, with threonine, which is neutral and polar, at codon 579 of the ANK2 protein (p.Ala579Thr). This variant is present in population databases (rs780664859, gnomAD 0.0009%). This missense change has been observed in individual(s) with sudden death (PMID: 38895864). ClinVar contains an entry for this variant (Variation ID: 2585809). Invitae Evidence Modeling of protein sequence and biophysical properties (such as structural, functional, and spatial information, amino acid conservation, physicochemical variation, residue mobility, and thermodynamic stability) indicates that this missense variant is not expected to disrupt ANK2 protein function with a negative predictive value of 80%. In summary, the available evidence is currently insufficient to determine the role of this variant in disease. Therefore, it has been classified as a Variant of Uncertain Significance.

Ambry Genetics
Classification: Uncertain significance for Cardiovascular phenotype. Last evaluated: 2023-08-23. Review status: criteria provided, single submitter. Criteria: Ambry Variant Classification Scheme 2023. Collection method: clinical testing. Allele origin: germline.
Comment: The p.A579T variant (also known as c.1735G>A), located in coding exon 16 of the ANK2 gene, results from a G to A substitution at nucleotide position 1735. The alanine at codon 579 is replaced by threonine, an amino acid with similar properties. This amino acid position is conserved. In addition, this alteration is predicted to be deleterious by in silico analysis. Since supporting evidence is limited at this time, the clinical significance of this alteration remains unclear.

Literature cited by the submitters: PubMed 38895864 (cited by Labcorp Genetics (formerly Invitae), Labcorp).